The following is an entry in ClinVar:

ClinVar aggregate classification (germline): Uncertain significance. Review status: criteria provided, multiple submitters, no conflicts (2 of 4 stars). 2 submissions from 2 submitters: Uncertain significance (2). Last evaluated 2025-12-08.

Conditions:
Inborn genetic diseases. Identifiers: MedGen C0950123, MeSH D030342.

Allele frequency attached by ClinVar (database versions not stated): gnomAD 0.00004 and 0.00003; gnomAD exomes 0.00003; TOPMed 0.00004; ExAC 0.00006.
gnomAD v4.1: 34 of 1,572,054 alleles (0.0022%); highest among the groups gnomAD compares: Non-Finnish European, 0.0028%; no homozygotes.

Submissions (2):

Ambry Genetics
Classification: Uncertain significance for Inborn genetic diseases. Last evaluated: 2025-12-08. Review status: criteria provided, single submitter. Criteria: Ambry Variant Classification Scheme 2023. Collection method: clinical testing. Allele origin: germline.

GeneDx
Classification: Uncertain significance. Last evaluated: 2019-03-29. Review status: criteria provided, single submitter. Criteria: GeneDx Variant Classification Process June 2021. Collection method: clinical testing. Allele origin: germline. Affected: yes.
Comment: In silico analysis, which includes protein predictors and evolutionary conservation, supports a deleterious effect; Has not been previously published as pathogenic or benign to our knowledge

NM_018896.5(CACNA1G):c.1346G>A (p.Arg449His)

Gene: CACNA1G (calcium voltage-gated channel subunit alpha1 G; plus strand). Cytogenetic location: 17q21.33.
Variant type: single nucleotide variant.
Coding change: c.1346G>A on transcript NM_018896.5 (MANE Select); coding-DNA position 1346, G replaced by A.
Protein change: p.Arg449His; replaces arginine 449 with histidine.
Molecular consequence: missense variant. On other transcripts: non-coding transcript variant (5).
Genome position (GRCh38, 1-based): chr17:50,575,748, G>A. VCF-style: chr17-50575748-G-A. GRCh37 (hg19) VCF-style: chr17-48653109-G-A.
Other names: c.1346G>A, p.Arg449His (NM_001256324.2, NM_001256325.2, NM_001256326.2 and 24 more transcripts); c.1346G>A (NM_018896.3); short protein forms R449H.
Identifiers: ClinVar variation 1308337 (VCV001308337.3), dbSNP rs752907797, ClinGen allele CA8652157.